The following is an entry in ClinVar:

ClinVar aggregate classification (germline): Conflicting classifications of pathogenicity. Review status: criteria provided, conflicting classifications (1 of 4 stars). 7 submissions from 7 submitters: Uncertain significance (3); Benign (1); Likely benign (2). 1 of the submissions does not count toward it. Last evaluated 2024-05-01.

Conditions:
Tuberous sclerosis syndrome (TSC). Also called: Tuberous Sclerosis Complex; Tuberous sclerosis. Identifiers: Orphanet 805, MedGen C0041341, MONDO:0001734.
Tuberous sclerosis 2 (TSC2). Identifiers: Orphanet 805, MedGen C1860707, MONDO:0013199, OMIM 613254.
Hereditary cancer-predisposing syndrome. Also called: Tumor predisposition; Hereditary Cancer Syndrome; Neoplastic Syndromes, Hereditary; Hereditary neoplastic syndrome. Identifiers: Orphanet 140162, MedGen C0027672, MeSH D009386, MONDO:0015356.
Isolated focal cortical dysplasia type II (FCORD2). Also called: CORTICAL DYSPLASIA OF TAYLOR; Focal cortical dysplasia type II. Identifiers: Orphanet 268994, MedGen C1846385, MONDO:0011818, OMIM 607341, HP:0032051.
Lymphangiomyomatosis (LAM). Also called: Lymphangioleiomyomatosis; Lymphangioleiomyomatosis, somatic. Identifiers: Orphanet 538, MedGen C0751674, MONDO:0011705, OMIM 606690.

Allele frequency attached by ClinVar (database versions not stated): gnomAD exomes 0.00001 and below 0.00001; ExAC 0.00001.
gnomAD v4.1: 6 of 1,613,826 alleles (0.00037%); highest among the groups gnomAD compares: Middle Eastern, 0.016%; no homozygotes.

Submissions (7):

Fulgent Genetics
Classification: Uncertain significance for Lymphangiomyomatosis; Isolated focal cortical dysplasia type II; Tuberous sclerosis 2. Last evaluated: 2024-05-01. Review status: criteria provided, single submitter. Criteria: ACMG Guidelines, 2015. Collection method: clinical testing. Allele origin: germline.

Labcorp Genetics (formerly Invitae), Labcorp
Classification: Benign for Tuberous sclerosis 2. Last evaluated: 2024-04-29. Review status: criteria provided, single submitter. Criteria: Invitae Variant Classification Sherloc (09022015). Collection method: clinical testing. Allele origin: germline.

Women's Health and Genetics/Laboratory Corporation of America, LabCorp
Classification: Uncertain significance. Last evaluated: 2023-04-27. Review status: criteria provided, single submitter. Criteria: LabCorp Variant Classification Summary - May 2015. Collection method: clinical testing. Allele origin: germline.
Comment: Variant summary: TSC2 c.1492G>A (p.Glu498Lys) results in a conservative amino acid change in the encoded protein sequence. Three of five in-silico tools predict a benign effect of the variant on protein function. The variant allele was found at a frequency of 1.2e-05 in 251330 control chromosomes (gnomAD). The available data on variant occurrences in the general population are insufficient to allow any conclusion about variant significance. To our knowledge, no occurrence of c.1492G>A in individuals affected with Tuberous Sclerosis Complex has been reported. At least one publication reports experimental evidence evaluating an impact on protein function. These results showed no damaging effect of this variant (example: Hoogeveen-Westerveld_2013). The following publication has been ascertained in the context of this evaluation (PMID: 22903760). Two clinical diagnostic laboratories have submitted clinical-significance assessments for this variant to ClinVar after 2014 and classified the variant as benign/likely benign. Based on the evidence outlined above, the variant was classified as VUS-possibly benign.

Mayo Clinic Laboratories, Mayo Clinic
Classification: Uncertain significance. Last evaluated: 2022-11-15. Review status: criteria provided, single submitter. Criteria: ACMG Guidelines, 2015. Collection method: clinical testing. Allele origin: germline. Observed: 1 variant allele.
Comment: BS3_supporting

Ambry Genetics
Classification: Likely benign for Hereditary cancer-predisposing syndrome. Last evaluated: 2021-04-19. Review status: criteria provided, single submitter. Criteria: Ambry Variant Classification Scheme 2023. Collection method: clinical testing. Allele origin: germline.

GeneDx
Classification: Likely benign. Last evaluated: 2013-07-09. Review status: criteria provided, single submitter. Criteria: GeneDx Variant Classification (06012015). Collection method: clinical testing. Allele origin: germline. Affected: yes.
Comment: This variant is considered likely benign or benign based on one or more of the following criteria: it is a conservative change, it occurs at a poorly conserved position in the protein, it is predicted to be benign by multiple in silico algorithms, and/or has population frequency not consistent with disease.

Tuberous sclerosis database (TSC2)
No classification provided. Condition: TSC. Review status: no classification provided. Criteria: Tuberous Sclerosis Database Assertion Criteria 2015. Collection method: curation. Allele origin: germline. Affected: yes. Not counted in ClinVar's aggregate classification.

Literature cited by the submitters: PubMed 22903760 (cited by 3 submitters).

NM_000548.5(TSC2):c.1492G>A (p.Glu498Lys)

Gene: TSC2 (TSC complex subunit 2; plus strand). Cytogenetic location: 16p13.3.
Variant type: single nucleotide variant.
Coding change: c.1492G>A on transcript NM_000548.5 (MANE Select); coding-DNA position 1492, G replaced by A.
Protein change: p.Glu498Lys; replaces glutamic acid 498 with lysine.
Molecular consequence: missense variant.
Genome position (GRCh38, 1-based): chr16:2,064,320, G>A. VCF-style: chr16-2064320-G-A. GRCh37 (hg19) VCF-style: chr16-2114321-G-A.
Other names: p.E498K:GAG>AAG; p.Glu498Lys; c.1492G>A (NM_000548.4); c.1492G>A, p.Glu498Lys (NM_001077183.3, NM_001114382.3, NM_001363528.2 and 3 more transcripts); c.1381G>A, p.Glu461Lys (NM_001318827.2); c.1345G>A, p.Glu449Lys (NM_001318829.2); c.892G>A, p.Glu298Lys (NM_001318831.2); c.1525G>A, p.Glu509Lys (NM_001318832.2); short protein forms E498K, E449K, E298K, E461K, E509K.
Identifiers: ClinVar variation 64986 (VCV000064986.12), dbSNP rs45517178, ClinGen allele CA014970.